The following is an entry in ClinVar:

ClinVar aggregate classification (germline): Likely benign (0 of 4 stars; one submission).

Conditions:
SEMA3G-related disorder. Also called: SEMA3G-related condition.

gnomAD v4.1: 37 of 1,603,094 alleles (0.0023%); highest among the groups gnomAD compares: South Asian, 0.033%; no homozygotes.

Submission:

PreventionGenetics, part of Exact Sciences
Classification: Likely benign for SEMA3G-related condition. Last evaluated: 2024-09-04. Review status: no assertion criteria provided. Collection method: clinical testing. Allele origin: germline.
Comment: This variant is classified as likely benign based on ACMG/AMP sequence variant interpretation guidelines (Richards et al. 2015 PMID: 25741868, with internal and published modifications).

NM_020163.3(SEMA3G):c.846C>T (p.Asn282=)

Gene: SEMA3G (semaphorin 3G; minus strand). Cytogenetic location: 3p21.1.
Variant type: single nucleotide variant.
Coding change: c.846C>T on transcript NM_020163.3 (MANE Select); coding-DNA position 846, C replaced by T.
Protein change: p.Asn282=; no amino-acid change (asparagine 282 retained).
Molecular consequence: synonymous variant.
Genome position (GRCh38, 1-based): chr3:52,441,016, G>A on the plus strand (C>T on the coding strand, the complement: SEMA3G is on the minus strand). VCF-style: chr3-52441016-G-A. GRCh37 (hg19) VCF-style: chr3-52475032-G-A.
Identifiers: ClinVar variation 3345405 (VCV003345405.1).
Genomic context (GRCh38, chr3:52,441,016, plus strand): 5'-GGCACCACCAGGGCCGGGCACCGAGCAGACCAGCCTGGCCTTGAGGAAAGTGCTCCATTT[G>A]TTCACCAGCACCCGCTGGCCCCCAGCATCATTCTGCAGGATAAGGGGCCAGAGTCACGCT-3'
Protein context (NP_064548.1, residues 272-292): NDAGGQRVLV[Asn282=]KWSTFLKARL